The following is an entry in ClinVar:

NM_002335.4(LRP5):c.1275G>A (p.Trp425Ter)

Gene: LRP5 (LDL receptor related protein 5; plus strand). Cytogenetic location: 11q13.2.
Variant type: single nucleotide variant.
Coding change: c.1275G>A on transcript NM_002335.4 (MANE Select); coding-DNA position 1275, G replaced by A.
Protein change: p.Trp425Ter; replaces tryptophan 425 with a stop codon.
Molecular consequence: nonsense. On other transcripts: 5 prime UTR variant (1).
Genome position (GRCh38, 1-based): chr11:68,386,575, G>A. VCF-style: chr11-68386575-G-A. GRCh37 (hg19) VCF-style: chr11-68154043-G-A.
Other names: c.-491G>A (NM_001291902.2); short protein forms W425*.
Identifiers: ClinVar variation 1459979 (VCV001459979.8), dbSNP rs2098643187, ClinGen allele CA381612603.

ClinVar aggregate classification (germline): Pathogenic (1 of 4 stars; one submission).

Allele frequency attached by ClinVar (database versions not stated): gnomAD 0.00001.
gnomAD v4.1: 1 of 1,613,640 alleles (0.000062%); highest among the groups gnomAD compares: Non-Finnish European, 0.000085%; no homozygotes.

Submission:

Labcorp Genetics (formerly Invitae), Labcorp
Classification: Pathogenic. Last evaluated: 2025-06-08. Review status: criteria provided, single submitter. Criteria: Invitae Variant Classification Sherloc (09022015). Collection method: clinical testing. Allele origin: germline.
Comment: This sequence change creates a premature translational stop signal (p.Trp425*) in the LRP5 gene. It is expected to result in an absent or disrupted protein product. Loss-of-function variants in LRP5 are known to be pathogenic (PMID: 11719191, 16252235, 25711638). This variant is not present in population databases (gnomAD no frequency). This premature translational stop signal has been observed in individual(s) with osteoporosis-pseudoglioma syndrome (PMID: 18602879). It has also been observed to segregate with disease in related individuals. ClinVar contains an entry for this variant (Variation ID: 1459979). For these reasons, this variant has been classified as Pathogenic.

Literature cited by the submitters: PubMed 11719191; PubMed 16252235; PubMed 25711638; PubMed 18602879.